The following is an entry in ClinVar:

ClinVar aggregate classification (germline): Likely benign. Review status: criteria provided, multiple submitters, no conflicts (2 of 4 stars). 3 submissions from 3 submitters: Likely benign (2). 1 of the submissions does not count toward it. Last evaluated 2025-10-09.

Conditions:
ABCA3-related disorder. Also called: ABCA3-related condition.
Hereditary pulmonary alveolar proteinosis. Also called: Pulmonary surfactant metabolism dysfunction. Identifiers: Orphanet 264675, MedGen C3711368, MONDO:0012580.

Allele frequency attached by ClinVar (database versions not stated): 1000 Genomes Project 30x 0.00016; 1000 Genomes Project 0.00020; ExAC 0.00007; TOPMed 0.00016; gnomAD 0.00014; ESP Exome Variant Server 0.00023.
gnomAD v4.1: 49 of 1,613,924 alleles (0.003%); highest among the groups gnomAD compares: African/African-American, 0.04%; 1 homozygote.

Submissions (3):

Labcorp Genetics (formerly Invitae), Labcorp
Classification: Likely benign. Last evaluated: 2025-10-09. Review status: criteria provided, single submitter. Criteria: Invitae Variant Classification Sherloc (09022015). Collection method: clinical testing. Allele origin: germline.

Ambry Genetics
Classification: Likely benign for Hereditary pulmonary alveolar proteinosis. Last evaluated: 2024-02-04. Review status: criteria provided, single submitter. Criteria: Ambry Variant Classification Scheme 2023. Collection method: clinical testing. Allele origin: germline.

PreventionGenetics, part of Exact Sciences
Classification: Likely benign for ABCA3-related condition. Last evaluated: 2019-11-12. Review status: no assertion criteria provided. Collection method: clinical testing. Allele origin: germline. Not counted in ClinVar's aggregate classification.
Comment: This variant is classified as likely benign based on ACMG/AMP sequence variant interpretation guidelines (Richards et al. 2015 PMID: 25741868, with internal and published modifications).

NM_001089.3(ABCA3):c.2376C>T (p.Ala792=)

Gene: ABCA3 (ATP binding cassette subfamily A member 3; minus strand). Cytogenetic location: 16p13.3.
Variant type: single nucleotide variant.
Coding change: c.2376C>T on transcript NM_001089.3 (MANE Select); coding-DNA position 2376, C replaced by T.
Protein change: p.Ala792=; no amino-acid change (alanine 792 retained).
Molecular consequence: synonymous variant.
Genome position (GRCh38, 1-based): chr16:2,295,628, G>A on the plus strand (C>T on the coding strand, the complement: ABCA3 is on the minus strand). VCF-style: chr16-2295628-G-A. GRCh37 (hg19) VCF-style: chr16-2345629-G-A.
Other names: c.2376C>T (NM_001089.2).
Identifiers: ClinVar variation 2906147 (VCV002906147.6), dbSNP rs145858649, ClinGen allele CA7840851.